The following is an entry in ClinVar:

ClinVar aggregate classification (germline): Uncertain significance. Review status: criteria provided, multiple submitters, no conflicts (2 of 4 stars). 2 submissions from 2 submitters: Uncertain significance (2). Last evaluated 2025-05-27.

Conditions:
Hereditary cancer-predisposing syndrome. Also called: Tumor predisposition; Hereditary neoplastic syndrome; Neoplastic Syndromes, Hereditary; Hereditary Cancer Syndrome. Identifiers: Orphanet 140162, MedGen C0027672, MeSH D009386, MONDO:0015356.

Allele frequency attached by ClinVar (database versions not stated): gnomAD 0.00001.
gnomAD v4.1: 1 of 1,613,612 alleles (0.000062%); highest among the groups gnomAD compares: African/African-American, 0.0013%; no homozygotes.

Submissions (2):

Ambry Genetics
Classification: Uncertain significance for Hereditary cancer-predisposing syndrome. Last evaluated: 2025-05-27. Review status: criteria provided, single submitter. Criteria: Ambry Variant Classification Scheme 2023. Collection method: clinical testing. Allele origin: germline.
Comment: The p.I1183N variant (also known as c.3548T>A), located in coding exon 29 of the POLE gene, results from a T to A substitution at nucleotide position 3548. The isoleucine at codon 1183 is replaced by asparagine, an amino acid with dissimilar properties. This amino acid position is conserved. In addition, the in silico prediction for this alteration is inconclusive. Since supporting evidence is limited at this time, the clinical significance of this alteration remains unclear.

Labcorp Genetics (formerly Invitae), Labcorp
Classification: Uncertain significance. Last evaluated: 2023-01-19. Review status: criteria provided, single submitter. Criteria: Invitae Variant Classification Sherloc (09022015). Collection method: clinical testing. Allele origin: germline.
Comment: Algorithms developed to predict the effect of sequence changes on RNA splicing suggest that this variant may create or strengthen a splice site. In summary, the available evidence is currently insufficient to determine the role of this variant in disease. Therefore, it has been classified as a Variant of Uncertain Significance. Advanced modeling of protein sequence and biophysical properties (such as structural, functional, and spatial information, amino acid conservation, physicochemical variation, residue mobility, and thermodynamic stability) performed at Invitae indicates that this missense variant is expected to disrupt POLE protein function. ClinVar contains an entry for this variant (Variation ID: 857634). This variant has not been reported in the literature in individuals affected with POLE-related conditions. This variant is present in population databases (no rsID available, gnomAD 0.01%). This sequence change replaces isoleucine, which is neutral and non-polar, with asparagine, which is neutral and polar, at codon 1183 of the POLE protein (p.Ile1183Asn).

NM_006231.4(POLE):c.3548T>A (p.Ile1183Asn)

Gene: POLE (DNA polymerase epsilon, catalytic subunit; minus strand). Cytogenetic location: 12q24.33.
Variant type: single nucleotide variant.
Coding change: c.3548T>A on transcript NM_006231.4 (MANE Select); coding-DNA position 3548, T replaced by A.
Protein change: p.Ile1183Asn; replaces isoleucine 1183 with asparagine.
Molecular consequence: missense variant.
Genome position (GRCh38, 1-based): chr12:132,657,170, A>T on the plus strand (T>A on the coding strand, the complement: POLE is on the minus strand). VCF-style: chr12-132657170-A-T. GRCh37 (hg19) VCF-style: chr12-133233756-A-T.
Other names: short protein forms I1183N.
Identifiers: ClinVar variation 857634 (VCV000857634.13), dbSNP rs1565952965, ClinGen allele CA387388421.